The following is an entry in ClinVar:

NM_020778.5(ALPK3):c.1396C>T (p.Pro466Ser)

Gene: ALPK3 (alpha kinase 3; plus strand). Cytogenetic location: 15q25.3.
Variant type: single nucleotide variant.
Coding change: c.1396C>T on transcript NM_020778.5 (MANE Select); coding-DNA position 1396, C replaced by T.
Protein change: p.Pro466Ser; replaces proline 466 with serine.
Molecular consequence: missense variant.
Genome position (GRCh38, 1-based): chr15:84,840,675, C>T. VCF-style: chr15-84840675-C-T. GRCh37 (hg19) VCF-style: chr15-85383906-C-T.
Other names: c.2002C>T (NM_020778.4); short protein forms P466S.
Identifiers: ClinVar variation 3371676 (VCV003371676.2).

ClinVar aggregate classification (germline): Uncertain significance. Review status: criteria provided, multiple submitters, no conflicts (2 of 4 stars). 2 submissions from 2 submitters: Uncertain significance (2). Last evaluated 2024-10-21.

Conditions:
Cardiovascular phenotype. Identifiers: MedGen CN230736.

Submissions (2):

Ambry Genetics
Classification: Uncertain significance for Cardiovascular phenotype. Last evaluated: 2024-10-21. Review status: criteria provided, single submitter. Criteria: Ambry Variant Classification Scheme 2023. Collection method: clinical testing. Allele origin: germline.
Comment: The p.P668S variant (also known as c.2002C>T), located in coding exon 5 of the ALPK3 gene, results from a C to T substitution at nucleotide position 2002. The proline at codon 668 is replaced by serine, an amino acid with similar properties. This amino acid position is conserved. In addition, this alteration is predicted to be tolerated by in silico analysis. Based on the available evidence, the clinical significance of this variant remains unclear.

GeneDx
Classification: Uncertain significance. Last evaluated: 2024-04-02. Review status: criteria provided, single submitter. Criteria: GeneDx Variant Classification Process June 2021. Collection method: clinical testing. Allele origin: germline. Affected: yes.
Comment: Has not been previously published as pathogenic or benign to our knowledge; Not observed at significant frequency in large population cohorts (gnomAD); In silico analysis supports that this missense variant has a deleterious effect on protein structure/function